The following is an entry in ClinVar:

NM_017752.3(TBC1D8B):c.607del (p.Asp203fs)

Gene: TBC1D8B (TBC1 domain family member 8B; plus strand). Cytogenetic location: Xq22.3.
Variant type: Deletion.
Coding change: c.607del on transcript NM_017752.3 (MANE Select); coding-DNA position 607, one base deleted (G; older notation c.607delG).
Protein change: p.Asp203fs; shifts the reading frame from aspartic acid 203.
Molecular consequence: frameshift variant.
Genome position (GRCh38, 1-based): chrX:106,823,246, G deleted; the last of 3 consecutive G bases (chrX:106,823,244-106,823,246); deleting any one gives the same sequence. VCF-style (leftmost placement, unchanged base first): chrX-106823243-TG-T. GRCh37 (hg19) VCF-style: chrX-106066473-TG-T.
Other names: c.607del, p.Asp203fs (NM_198881.2); short protein forms D203fs.
Identifiers: ClinVar variation 3894571 (VCV003894571.1).

ClinVar aggregate classification (germline): Likely pathogenic (1 of 4 stars; one submission).

Conditions:
Nephrotic syndrome, type 20. Identifiers: MedGen C5193011, MONDO:0026726, OMIM 301028.

Submission:

MVZ Medizinische Genetik Mainz
Classification: Likely pathogenic for Nephrotic syndrome, type 20. Last evaluated: 2025-03-14. Review status: criteria provided, single submitter. Criteria: UK Practice Guidelines For Variant Classification V4 01 2020. Collection method: clinical testing. Allele origin: germline. Inheritance: Unknown mechanism. Affected: yes. Observed: 1 variant allele.
Comment: ACMG Criteria: PVS1,PM2_SUP